The following is an entry in ClinVar:

ClinVar aggregate classification (germline): Uncertain significance (1 of 4 stars; one submission).

Submission:

Labcorp Genetics (formerly Invitae), Labcorp
Classification: Uncertain significance. Last evaluated: 2025-12-23. Review status: criteria provided, single submitter. Criteria: Invitae Variant Classification Sherloc (09022015). Collection method: clinical testing. Allele origin: germline.
Comment: This variant, c.3712_3714del, results in the deletion of 1 amino acid(s) of the SORL1 protein (p.Lys1238del), but otherwise preserves the integrity of the reading frame. This variant is present in population databases (rs767745785, gnomAD 0.006%). This variant has not been reported in the literature in individuals affected with SORL1-related conditions. Experimental studies and prediction algorithms are not available or were not evaluated, and the functional significance of this variant is currently unknown. Algorithms developed to predict the effect of sequence changes on RNA splicing suggest that this variant may disrupt the consensus splice site. In summary, the available evidence is currently insufficient to determine the role of this variant in disease. Therefore, it has been classified as a Variant of Uncertain Significance.

NM_003105.6(SORL1):c.3709AAG[1] (p.Lys1238del)

Gene: SORL1 (sortilin related receptor 1; plus strand). Cytogenetic location: 11q24.1.
Variant type: Microsatellite.
Coding change: c.3709AAG[1] on transcript NM_003105.6 (MANE Select); one copy of the 3-base unit AAG starting at c.3709; the reference has two copies in a row; one copy, 3 bases deleted.
Protein change: p.Lys1238del; deletes lysine 1238.
Molecular consequence: inframe deletion.
Genome position (GRCh38, 1-based): chr11:121,586,227-121,586,229, AAG deleted; deleting any 3 consecutive bases within chr11:121,586,222-121,586,229 gives the same sequence; the position shown is the placement nearest the transcript's 3' end. VCF-style (leftmost placement, unchanged base first): chr11-121586221-GAGA-G. GRCh37 (hg19) VCF-style: chr11-121456930-GAGA-G.
Other names: short protein forms K1238del.
Identifiers: ClinVar variation 4703970 (VCV004703970.1).
Genomic context (GRCh38, chr11:121,586,221, plus strand): 5'-TGTGTGAGTGCCTGCCTGTTTCCTCCTCGTCATTCTTCTGTGTTGTTGAATTCTATTTCA[GAGA>G]AGAAGTGCAATGGATTCCGCTGCCCAAACGGCACTTGCATCCCATCCAGCAAACATTGTG-3'